The following is an entry in ClinVar:

NM_001367561.1(DOCK7):c.4019A>G (p.Asp1340Gly)

Gene: DOCK7 (dedicator of cytokinesis 7; minus strand). Cytogenetic location: 1p31.3.
Variant type: single nucleotide variant.
Coding change: c.4019A>G on transcript NM_001367561.1 (MANE Select); coding-DNA position 4019, A replaced by G.
Protein change: p.Asp1340Gly; replaces aspartic acid 1340 with glycine.
Molecular consequence: missense variant.
Genome position (GRCh38, 1-based): chr1:62,513,816, T>C on the plus strand (A>G on the coding strand, the complement: DOCK7 is on the minus strand). VCF-style: chr1-62513816-T-C. GRCh37 (hg19) VCF-style: chr1-62979487-T-C.
Other names: c.4019A>G, p.Asp1340Gly (NM_001271999.2, NM_001330614.2); c.3926A>G, p.Asp1309Gly (NM_001272000.2, NM_001272001.2, NM_033407.4); c.3926A>G (NM_033407.2); short protein forms D1309G, D1340G.
Identifiers: ClinVar variation 650468 (VCV000650468.6), dbSNP rs143210310, ClinGen allele CA885821.

ClinVar aggregate classification (germline): Uncertain significance. Review status: criteria provided, multiple submitters, no conflicts (2 of 4 stars). 3 submissions from 3 submitters: Uncertain significance (3). Last evaluated 2025-04-19.

Conditions:
Inborn genetic diseases. Identifiers: MedGen C0950123, MeSH D030342.
Developmental and epileptic encephalopathy, 23 (DEE23). Also called: Epileptic encephalopathy, early infantile, 23. Identifiers: Orphanet 411986, MedGen C4014492, MONDO:0014371, OMIM 615859.

Allele frequency attached by ClinVar (database versions not stated): gnomAD exomes 0.00003; gnomAD 0.00006 and 0.00005; TOPMed 0.00008; ESP Exome Variant Server 0.00023; ExAC 0.00002.
gnomAD v4.1: 69 of 1,614,046 alleles (0.0043%); highest among the groups gnomAD compares: Non-Finnish European, 0.0053%; no homozygotes.

Submissions (3):

Ambry Genetics
Classification: Uncertain significance for Inborn genetic diseases. Last evaluated: 2025-04-19. Review status: criteria provided, single submitter. Criteria: Ambry Variant Classification Scheme 2023. Collection method: clinical testing. Allele origin: germline.

GeneDx
Classification: Uncertain significance. Last evaluated: 2024-05-25. Review status: criteria provided, single submitter. Criteria: GeneDx Variant Classification Process June 2021. Collection method: clinical testing. Allele origin: germline. Affected: yes.
Comment: Not observed at significant frequency in large population cohorts (gnomAD); In silico analysis supports that this missense variant has a deleterious effect on protein structure/function; Has not been previously published as pathogenic or benign to our knowledge

Labcorp Genetics (formerly Invitae), Labcorp
Classification: Uncertain significance for Developmental and epileptic encephalopathy, 23. Last evaluated: 2022-07-25. Review status: criteria provided, single submitter. Criteria: Invitae Variant Classification Sherloc (09022015). Collection method: clinical testing. Allele origin: germline.
Comment: This sequence change replaces aspartic acid, which is acidic and polar, with glycine, which is neutral and non-polar, at codon 1340 of the DOCK7 protein (p.Asp1340Gly). This variant is present in population databases (rs143210310, gnomAD 0.005%). This variant has not been reported in the literature in individuals affected with DOCK7-related conditions. ClinVar contains an entry for this variant (Variation ID: 650468). Algorithms developed to predict the effect of missense changes on protein structure and function are either unavailable or do not agree on the potential impact of this missense change (SIFT: "Deleterious"; PolyPhen-2: "Benign"; Align-GVGD: "Class C0"). Algorithms developed to predict the effect of sequence changes on RNA splicing suggest that this variant may disrupt the consensus splice site. In summary, the available evidence is currently insufficient to determine the role of this variant in disease. Therefore, it has been classified as a Variant of Uncertain Significance.